The following is an entry in ClinVar:

NM_007294.4(BRCA1):c.1052A>T (p.Lys351Ile)

Gene: BRCA1 (BRCA1 DNA repair associated; minus strand). Cytogenetic location: 17q21.31.
Variant type: single nucleotide variant.
Coding change: c.1052A>T on transcript NM_007294.4 (MANE Select); coding-DNA position 1052, A replaced by T.
Protein change: p.Lys351Ile; replaces lysine 351 with isoleucine.
Molecular consequence: missense variant. On other transcripts: intron variant (137).
Genome position (GRCh38, 1-based): chr17:43,094,479, T>A on the plus strand (A>T on the coding strand, the complement: BRCA1 is on the minus strand). VCF-style: chr17-43094479-T-A. GRCh37 (hg19) VCF-style: chr17-41246496-T-A.
Other names: c.911A>T, p.Lys304Ile (NM_001407694.1, NM_001407695.1, NM_001407698.1 and 29 more transcripts); c.788A>T, p.Lys263Ile (NM_001407929.1, NM_001407933.1, NM_001407935.1 and 9 more transcripts); c.785A>T, p.Lys262Ile (NM_001407932.1, NM_001407934.1, NM_001407931.1 and 2 more transcripts); c.839A>T, p.Lys280Ile (NM_001407571.1, NM_001407894.1, NM_001407895.1 and 9 more transcripts); c.1052A>T, p.Lys351Ile (NM_001407581.1, NM_001407582.1, NM_001407583.1 and 30 more transcripts); c.1049A>T, p.Lys350Ile (NM_001407587.1, NM_001407590.1, NM_001407591.1 and 22 more transcripts); c.1043A>T, p.Lys348Ile (NM_001407646.1, NM_001407647.1); c.929A>T, p.Lys310Ile (NM_001407648.1, NM_001407664.1, NM_001407665.1 and 19 more transcripts); and 40 more; short protein forms K304I, K351I, K224I, K239I, K284I, K303I, K309I, K325I.
Identifiers: ClinVar variation 822080 (VCV000822080.7), dbSNP rs765323349, ClinGen allele CA056996.
Genomic context (GRCh38, chr17:43,094,479, plus strand): 5'-GGAACATCTTCAGTATCTCTAGGATTCTCTGAGCATGGCAGTTTCTGCTTATTCCATTCT[T>A]TTCTCTCACACAGGGGATCAGCATTCAGATCTACCTTTTTTTCTGTGCTGGGAGTCCGCC-3'
Protein context (NP_009225.1, residues 341-361): DLNADPLCER[Lys351Ile]EWNKQKLPCS

ClinVar aggregate classification (germline): Conflicting classifications of pathogenicity. Review status: criteria provided, conflicting classifications (1 of 4 stars). 2 submissions from 2 submitters: Uncertain significance (1); Likely benign (1). Last evaluated 2023-03-23.

Conditions:
Hereditary cancer-predisposing syndrome. Also called: Tumor predisposition; Hereditary Cancer Syndrome; Neoplastic Syndromes, Hereditary; Hereditary neoplastic syndrome. Identifiers: Orphanet 140162, MedGen C0027672, MeSH D009386, MONDO:0015356.

Allele frequency attached by ClinVar (database versions not stated): ExAC 0.00001.

Submissions (2):

University of Washington Department of Laboratory Medicine, University of Washington
Classification: Likely benign for Hereditary cancer-predisposing syndrome. Last evaluated: 2023-03-23. Review status: criteria provided, single submitter. Criteria: Dines et al. (Genet Med. 2020). Collection method: curation. Allele origin: germline.
Comment: Missense variant in a coldspot region where missense variants are very unlikely to be pathogenic (PMID:31911673).

BRCA1 coldspot (exon 11 using historical exon numbering). Reclassification based on statistical prior probability

Ambry Genetics
Classification: Uncertain significance for Hereditary cancer-predisposing syndrome. Last evaluated: 2019-05-03. Review status: criteria provided, single submitter. Criteria: Ambry Variant Classification Scheme 2023. Collection method: clinical testing. Allele origin: germline.
Comment: The p.K351I variant (also known as c.1052A>T), located in coding exon 9 of the BRCA1 gene, results from an A to T substitution at nucleotide position 1052. The lysine at codon 351 is replaced by isoleucine, an amino acid with dissimilar properties. This amino acid position is not well conserved in available vertebrate species. In addition, the in silico prediction for this alteration is inconclusive. Since supporting evidence is limited at this time, the clinical significance of this alteration remains unclear.